The following is an entry in ClinVar:

ClinVar aggregate classification (germline): Uncertain significance (1 of 4 stars; one submission).

Conditions:
Hermansky-Pudlak syndrome 2 (HPS2). Also called: Platelet defects and oculocutaneous albinism. Identifiers: Orphanet 183678, Orphanet 79430, MedGen C1842362, MONDO:0011997, OMIM 608233.

Allele frequency attached by ClinVar (database versions not stated): gnomAD 0.00001; TOPMed 0.00001.
gnomAD v4.1: 2 of 1,614,138 alleles (0.00012%); highest among the groups gnomAD compares: African/African-American, 0.0027%; no homozygotes.

Submission:

Labcorp Genetics (formerly Invitae), Labcorp
Classification: Uncertain significance for Hermansky-Pudlak syndrome 2. Last evaluated: 2022-02-03. Review status: criteria provided, single submitter. Criteria: Invitae Variant Classification Sherloc (09022015). Collection method: clinical testing. Allele origin: germline.
Comment: In summary, the available evidence is currently insufficient to determine the role of this variant in disease. Therefore, it has been classified as a Variant of Uncertain Significance. Algorithms developed to predict the effect of missense changes on protein structure and function are either unavailable or do not agree on the potential impact of this missense change (SIFT: "Deleterious"; PolyPhen-2: "Possibly Damaging"; Align-GVGD: "Class C0"). This variant has not been reported in the literature in individuals affected with AP3B1-related conditions. This variant is present in population databases (no rsID available, gnomAD 0.01%). This sequence change replaces leucine, which is neutral and non-polar, with proline, which is neutral and non-polar, at codon 36 of the AP3B1 protein (p.Leu36Pro).

NM_003664.5(AP3B1):c.107T>C (p.Leu36Pro)

Gene: AP3B1 (adaptor related protein complex 3 subunit beta 1; minus strand). Cytogenetic location: 5q14.1.
Variant type: single nucleotide variant.
Coding change: c.107T>C on transcript NM_003664.5 (MANE Select); coding-DNA position 107, T replaced by C.
Protein change: p.Leu36Pro; replaces leucine 36 with proline.
Molecular consequence: missense variant. On other transcripts: 5 prime UTR variant (1).
Genome position (GRCh38, 1-based): chr5:78,294,473, A>G on the plus strand (T>C on the coding strand, the complement: AP3B1 is on the minus strand). VCF-style: chr5-78294473-A-G. GRCh37 (hg19) VCF-style: chr5-77590297-A-G.
Other names: c.-53T>C (NM_001271769.2); c.107T>C, p.Leu36Pro (NM_001410752.1); short protein forms L36P.
Identifiers: ClinVar variation 2092387 (VCV002092387.4), dbSNP rs878964191, ClinGen allele CA360334454.